The following is an entry in ClinVar:

ClinVar aggregate classification (germline): Uncertain significance (1 of 4 stars; one submission).

Allele frequency attached by ClinVar (database versions not stated): gnomAD exomes below 0.00001.
gnomAD v4.1: 3 of 1,614,138 alleles (0.00019%); highest among the groups gnomAD compares: Non-Finnish European, 0.00017%; no homozygotes.

Submission:

Labcorp Genetics (formerly Invitae), Labcorp
Classification: Uncertain significance. Last evaluated: 2023-05-25. Review status: criteria provided, single submitter. Criteria: Invitae Variant Classification Sherloc (09022015). Collection method: clinical testing. Allele origin: germline.
Comment: This sequence change replaces methionine, which is neutral and non-polar, with valine, which is neutral and non-polar, at codon 2847 of the TRRAP protein (p.Met2847Val). This variant is not present in population databases (gnomAD no frequency). In summary, the available evidence is currently insufficient to determine the role of this variant in disease. Therefore, it has been classified as a Variant of Uncertain Significance. Advanced modeling of protein sequence and biophysical properties (such as structural, functional, and spatial information, amino acid conservation, physicochemical variation, residue mobility, and thermodynamic stability) performed at Invitae indicates that this missense variant is not expected to disrupt TRRAP protein function. This variant has not been reported in the literature in individuals affected with TRRAP-related conditions.

NM_001375524.1(TRRAP):c.8614A>G (p.Met2872Val)

Gene: TRRAP (transformation/transcription domain associated protein; plus strand). Cytogenetic location: 7q22.1.
Variant type: single nucleotide variant.
Coding change: c.8614A>G on transcript NM_001375524.1 (MANE Select); coding-DNA position 8614, A replaced by G.
Protein change: p.Met2872Val; replaces methionine 2872 with valine.
Molecular consequence: missense variant.
Genome position (GRCh38, 1-based): chr7:98,978,884, A>G. VCF-style: chr7-98978884-A-G. GRCh37 (hg19) VCF-style: chr7-98576507-A-G.
Other names: c.8593A>G, p.Met2865Val (NM_001244580.2); c.8539A>G, p.Met2847Val (NM_003496.4); short protein forms M2847V, M2865V, M2872V.
Identifiers: ClinVar variation 3003698 (VCV003003698.3), dbSNP rs2484957555, ClinGen allele CA368308758.